The following is an entry in ClinVar:

ClinVar aggregate classification (germline): Uncertain significance (1 of 4 stars; one submission).

Conditions:
Mowat-Wilson syndrome (MOWS). Also called: Classic Mowat-Wilson Syndrome. Identifiers: Orphanet 2152, MedGen C1856113, MONDO:0009341, OMIM 235730.

Allele frequency attached by ClinVar (database versions not stated): gnomAD exomes below 0.00001; ExAC 0.00001.
gnomAD v4.1: 7 of 1,614,220 alleles (0.00043%); highest among the groups gnomAD compares: East Asian, 0.0022%; no homozygotes.

Submission:

Labcorp Genetics (formerly Invitae), Labcorp
Classification: Uncertain significance for Mowat-Wilson syndrome. Last evaluated: 2025-06-04. Review status: criteria provided, single submitter. Criteria: Invitae Variant Classification Sherloc (09022015). Collection method: clinical testing. Allele origin: germline.
Comment: This sequence change replaces asparagine, which is neutral and polar, with serine, which is neutral and polar, at codon 534 of the ZEB2 protein (p.Asn534Ser). This variant is present in population databases (rs767181131, gnomAD 0.006%). This variant has not been reported in the literature in individuals affected with ZEB2-related conditions. ClinVar contains an entry for this variant (Variation ID: 950301). Invitae Evidence Modeling incorporating data from in vitro experimental studies (internal data) indicates that this missense variant is not expected to disrupt ZEB2 function with a negative predictive value of 95%. In summary, the available evidence is currently insufficient to determine the role of this variant in disease. Therefore, it has been classified as a Variant of Uncertain Significance.

NM_014795.4(ZEB2):c.1601A>G (p.Asn534Ser)

Gene: ZEB2 (zinc finger E-box binding homeobox 2; minus strand). Cytogenetic location: 2q22.3.
Variant type: single nucleotide variant.
Coding change: c.1601A>G on transcript NM_014795.4 (MANE Select); coding-DNA position 1601, A replaced by G.
Protein change: p.Asn534Ser; replaces asparagine 534 with serine.
Molecular consequence: missense variant.
Genome position (GRCh38, 1-based): chr2:144,399,586, T>C on the plus strand (A>G on the coding strand, the complement: ZEB2 is on the minus strand). VCF-style: chr2-144399586-T-C. GRCh37 (hg19) VCF-style: chr2-145157153-T-C.
Other names: c.1529A>G, p.Asn510Ser (NM_001171653.2); short protein forms N534S, N510S.
Identifiers: ClinVar variation 950301 (VCV000950301.9), dbSNP rs767181131, ClinGen allele CA1898321.
Genomic context (GRCh38, chr2:144,399,586, plus strand): 5'-ATATTACTGATCTGTCTCCTTGAGTCAGTAGTCAAGCTCTGGAGGCAAGCTTTGGCTTCA[T>C]TGACTTTTTCCAACGTATAGTCAATAATACTTTTAGTGGCACCATTATGACTCACTACCG-3'
Protein context (NP_055610.1, residues 524-544): SIIDYTLEKV[Asn534Ser]EAKACLQSLT